The following is an entry in ClinVar:

NM_177438.3(DICER1):c.4633dup (p.Ser1545fs)

Gene: DICER1 (dicer 1, ribonuclease III; minus strand). Cytogenetic location: 14q32.13.
Variant type: Duplication.
Coding change: c.4633dup on transcript NM_177438.3 (MANE Select); coding-DNA position 4633, one base duplicated (T; older notation c.4633dupT).
Protein change: p.Ser1545fs; shifts the reading frame from serine 1545.
Molecular consequence: frameshift variant.
Genome position (GRCh38, 1-based): chr14:95,096,287, A duplicated on the plus strand (T on the coding strand, the reverse complement: DICER1 is on the minus strand); the first of 3 consecutive A bases (chr14:95,096,287-95,096,289); duplicating any one gives the same sequence. VCF-style (leftmost placement, unchanged base first): chr14-95096286-G-GA. GRCh37 (hg19) VCF-style: chr14-95562623-G-GA.
Other names: c.4633dupT (NM_177438.2); c.4633dup, p.Ser1545fs (NM_030621.4, NM_001195573.1, NM_001271282.3 and 1 more transcripts); short protein forms S1545fs.
Identifiers: ClinVar variation 225885 (VCV000225885.14), dbSNP rs875989781, ClinGen allele CA10576128.

ClinVar aggregate classification (germline): Pathogenic/Likely pathogenic. Review status: criteria provided, multiple submitters, no conflicts (2 of 4 stars). 5 submissions from 5 submitters: Pathogenic (4); Likely pathogenic (1). Last evaluated 2023-04-11.

Conditions:
DICER1-related tumor predisposition. Also called: DICER1 syndrome; DICER1-related pleuropulmonary blastoma cancer predisposition syndrome. Identifiers: Orphanet 284343, MedGen C3839822, MONDO:0100216.
Pineoblastoma. Identifiers: Orphanet 251909, MedGen C0205898, MONDO:0016722, HP:0030408.

Submissions (5):

Institute for Genomic Medicine (IGM) Clinical Laboratory, Nationwide Children's Hospital
Classification: Pathogenic for DICER1-related tumor predisposition. Last evaluated: 2023-04-11. Review status: criteria provided, single submitter. Criteria: ACMG Guidelines, 2015. Collection method: clinical testing. Allele origin: germline.
Comment: This variant is predicted to result in loss of function through nonsense-mediated decay of the encoded transcript or premature truncation of the encoded protein in a gene in which loss of function is a known mechanism of disease (ACMG/AMP: PVS1; PMIDs:19556464, 21266384, 25022261, 28960912). This variant has been reported at an elevated frequency in affected individuals/in multiple affected individuals in the literature (ACMG/AMP: PS4_Moderate; PMIDs:25022261, 28960912). This variant is absent from or present at an exceedingly low frequency in gnomAD, a large-scale control population database (ACMG/AMP: PM2).

Labcorp Genetics (formerly Invitae), Labcorp
Classification: Pathogenic for DICER1-related tumor predisposition. Last evaluated: 2020-03-19. Review status: criteria provided, single submitter. Criteria: Invitae Variant Classification Sherloc (09022015). Collection method: clinical testing. Allele origin: germline.
Comment: For these reasons, this variant has been classified as Pathogenic. Loss-of-function variants in DICER1 are known to be pathogenic (PMID: 19556464, 21266384). This variant has been observed in individuals affected with DICER1 syndrome (PMID: 25022261, 28960912). ClinVar contains an entry for this variant (Variation ID: 225885). This variant is not present in population databases (ExAC no frequency). This sequence change creates a premature translational stop signal (p.Ser1545Phefs*7) in the DICER1 gene. It is expected to result in an absent or disrupted protein product.

Foulkes Cancer Genetics LDI, Lady Davis Institute for Medical Research
Classification: Pathogenic for Pleuropulmonary blastoma. Last evaluated: 2019-07-01. Review status: criteria provided, single submitter. Criteria: ACMG Guidelines, 2015. Collection method: curation. Allele origin: germline. Affected: yes. Observed: 2 variant alleles.
Comment: ACMG criteria met: PVS1, PM2, PP4

PreventionGenetics, part of Exact Sciences
Classification: Likely pathogenic. Last evaluated: 2016-03-24. Review status: criteria provided, single submitter. Criteria: ACMG Guidelines, 2015. Collection method: clinical testing. Allele origin: germline.

Lupski Lab, Baylor-Hopkins CMG, Baylor College of Medicine
Classification: Pathogenic for Pineoblastoma. Last evaluated: 2014-07-15. Review status: criteria provided, single submitter. Criteria: de Kock et al. (Acta Neuropathol. 2014). Collection method: research. Allele origin: germline. Inheritance: Autosomal dominant inheritance. Affected: yes. Observed: 1 variant allele.

Literature cited by the submitters: PubMed 19556464 (cited by Institute for Genomic Medicine (IGM) Clinical Laboratory, Nationwide Children's Hospital and Labcorp Genetics (formerly Invitae), Labcorp); PubMed 21266384 (cited by Institute for Genomic Medicine (IGM) Clinical Laboratory, Nationwide Children's Hospital and Labcorp Genetics (formerly Invitae), Labcorp); PubMed 25022261 (cited by 3 submitters); PubMed 28960912 (cited by 3 submitters).